The following is an entry in ClinVar:

NM_001174096.2(ZEB1):c.656A>G (p.His219Arg)

Gene: ZEB1 (zinc finger E-box binding homeobox 1; plus strand). Cytogenetic location: 10p11.22.
Variant type: single nucleotide variant.
Coding change: c.656A>G on transcript NM_001174096.2 (MANE Select); coding-DNA position 656, A replaced by G.
Protein change: p.His219Arg; replaces histidine 219 with arginine.
Molecular consequence: missense variant. On other transcripts: 5 prime UTR variant (30).
Genome position (GRCh38, 1-based): chr10:31,510,844, A>G. VCF-style: chr10-31510844-A-G. GRCh37 (hg19) VCF-style: chr10-31799772-A-G.
Other names: c.605A>G, p.His202Arg (NM_001128128.3); c.593A>G, p.His198Arg (NM_001174093.2); c.602A>G, p.His201Arg (NM_001174094.2); c.452A>G, p.His151Arg (NM_001174095.2); c.-2A>G (NM_001323638.2, NM_001323641.2, NM_001323642.2 and 27 more transcripts); c.431A>G, p.His144Arg (NM_001323674.2); c.389A>G, p.His130Arg (NM_001323675.2); c.614A>G, p.His205Arg (NM_001323676.2); and 3 more; short protein forms H130R, H144R, H205R, H127R, H198R, H204R, H219R, H151R.
Identifiers: ClinVar variation 3710925 (VCV003710925.2).

ClinVar aggregate classification (germline): Uncertain significance (1 of 4 stars; one submission).

Submission:

Labcorp Genetics (formerly Invitae), Labcorp
Classification: Uncertain significance. Last evaluated: 2025-03-14. Review status: criteria provided, single submitter. Criteria: Invitae Variant Classification Sherloc (09022015). Collection method: clinical testing. Allele origin: germline.
Comment: This sequence change replaces histidine, which is basic and polar, with arginine, which is basic and polar, at codon 218 of the ZEB1 protein (p.His218Arg). This variant is not present in population databases (gnomAD no frequency). This variant has not been reported in the literature in individuals affected with ZEB1-related conditions. Invitae Evidence Modeling of protein sequence and biophysical properties (such as structural, functional, and spatial information, amino acid conservation, physicochemical variation, residue mobility, and thermodynamic stability) indicates that this missense variant is expected to disrupt ZEB1 protein function with a positive predictive value of 80%. In summary, the available evidence is currently insufficient to determine the role of this variant in disease. Therefore, it has been classified as a Variant of Uncertain Significance.